The following is an entry in ClinVar:

NM_001009944.3(PKD1):c.6166G>A (p.Glu2056Lys)

Gene: PKD1 (polycystin 1, transient receptor potential channel interacting; minus strand). Cytogenetic location: 16p13.3.
Variant type: single nucleotide variant.
Coding change: c.6166G>A on transcript NM_001009944.3 (MANE Select); coding-DNA position 6166, G replaced by A.
Protein change: p.Glu2056Lys; replaces glutamic acid 2056 with lysine.
Molecular consequence: missense variant.
Genome position (GRCh38, 1-based): chr16:2,109,001, C>T on the plus strand (G>A on the coding strand, the complement: PKD1 is on the minus strand). VCF-style: chr16-2109001-C-T. GRCh37 (hg19) VCF-style: chr16-2159002-C-T.
Other names: c.6166G>A, p.Glu2056Lys (NM_000296.4); short protein forms E2056K.
Identifiers: ClinVar variation 4853054 (VCV004853054.1).

ClinVar aggregate classification (germline): Uncertain significance (1 of 4 stars; one submission).

Submission:

Women's Health and Genetics/Laboratory Corporation of America, LabCorp
Classification: Uncertain significance. Last evaluated: 2026-05-15. Review status: criteria provided, single submitter. Criteria: LabCorp Variant Classification Summary - May 2015. Collection method: clinical testing. Allele origin: germline.
Comment: Variant summary: PKD1 c.6166G>A (p.Glu2056Lys) results in a conservative amino acid change in the encoded protein sequence. Algorithms developed to predict the effect of missense changes on protein structure and function all suggest that this variant is likely to be tolerated. The variant was absent in 244644 control chromosomes. The available data on variant occurrences in the general population are insufficient to allow any conclusion about variant significance. To our knowledge, no occurrence of c.6166G>A in individuals affected with PKD1-related conditions and no experimental evidence demonstrating its impact on protein function have been reported. No submitters have cited clinical-significance assessments for this variant to ClinVar. Based on the evidence outlined above, the variant was classified as uncertain significance.